The following is an entry in ClinVar:

ClinVar aggregate classification (germline): Uncertain significance. Review status: criteria provided, multiple submitters, no conflicts (2 of 4 stars). 3 submissions from 3 submitters: Uncertain significance (3). Last evaluated 2025-04-29.

Conditions:
Familial cancer of breast. Also called: Hereditary breast cancer; BREAST CANCER, FAMILIAL; hereditary breast carcinoma. Identifiers: Orphanet 227535, MedGen C0346153, MONDO:0016419, OMIM 114480. Disease mechanism: loss of function.
Hereditary cancer-predisposing syndrome. Also called: Neoplastic Syndromes, Hereditary; Hereditary Cancer Syndrome; Tumor predisposition; Hereditary neoplastic syndrome. Identifiers: Orphanet 140162, MedGen C0027672, MeSH D009386, MONDO:0015356.

gnomAD v4.1: 1 of 1,613,858 alleles (0.000062%); highest among the groups gnomAD compares: South Asian, 0.0011%; no homozygotes.

Submissions (3):

Labcorp Genetics (formerly Invitae), Labcorp
Classification: Uncertain significance for Familial cancer of breast. Last evaluated: 2025-04-29. Review status: criteria provided, single submitter. Criteria: Invitae Variant Classification Sherloc (09022015). Collection method: clinical testing. Allele origin: germline.
Comment: This sequence change replaces histidine, which is basic and polar, with glutamine, which is neutral and polar, at codon 473 of the BARD1 protein (p.His473Gln). This variant is not present in population databases (gnomAD no frequency). This variant has not been reported in the literature in individuals affected with BARD1-related conditions. ClinVar contains an entry for this variant (Variation ID: 927958). An algorithm developed to predict the effect of missense changes on protein structure and function (PolyPhen-2) suggests that this variant is likely to be disruptive. In summary, the available evidence is currently insufficient to determine the role of this variant in disease. Therefore, it has been classified as a Variant of Uncertain Significance.

Ambry Genetics
Classification: Uncertain significance for Hereditary cancer-predisposing syndrome. Last evaluated: 2025-01-27. Review status: criteria provided, single submitter. Criteria: Ambry Variant Classification Scheme 2023. Collection method: clinical testing. Allele origin: germline.
Comment: The p.H473Q variant (also known as c.1419C>G), located in coding exon 6 of the BARD1 gene, results from a C to G substitution at nucleotide position 1419. The histidine at codon 473 is replaced by glutamine, an amino acid with highly similar properties. This amino acid position is highly conserved in available vertebrate species. In addition, this alteration is predicted to be deleterious by in silico analysis. Since supporting evidence is limited at this time, the clinical significance of this alteration remains unclear.

Color Diagnostics, LLC DBA Color Health
Classification: Uncertain significance for Hereditary cancer-predisposing syndrome. Last evaluated: 2023-12-04. Review status: criteria provided, single submitter. Criteria: ACMG Guidelines, 2015. Collection method: clinical testing. Allele origin: germline.
Comment: This missense variant replaces histidine with glutamine at codon 473 of the BARD1 protein. Computational prediction is inconclusive regarding the impact of this variant on protein structure and function (internally defined REVEL score threshold 0.5 < inconclusive < 0.7, PMID: 27666373). To our knowledge, functional studies have not been reported for this variant. This variant has not been reported in individuals affected with BARD1-related disorders in the literature. This variant has not been identified in the general population by the Genome Aggregation Database (gnomAD). The available evidence is insufficient to determine the role of this variant in disease conclusively. Therefore, this variant is classified as a Variant of Uncertain Significance.

NM_000465.4(BARD1):c.1419C>G (p.His473Gln)

Gene: BARD1 (BRCA1 associated RING domain 1; minus strand). Cytogenetic location: 2q35.
Variant type: single nucleotide variant.
Coding change: c.1419C>G on transcript NM_000465.4 (MANE Select); coding-DNA position 1419, C replaced by G.
Protein change: p.His473Gln; replaces histidine 473 with glutamine.
Molecular consequence: missense variant. On other transcripts: non-coding transcript variant (3), intron variant (3).
Genome position (GRCh38, 1-based): chr2:214,767,631, G>C on the plus strand (C>G on the coding strand, the complement: BARD1 is on the minus strand). VCF-style: chr2-214767631-G-C. GRCh37 (hg19) VCF-style: chr2-215632355-G-C.
Other names: c.1362C>G, p.His454Gln (NM_001282543.2); c.159-15076C>G (NM_001282548.2); c.216-15076C>G (NM_001282545.2); c.364+24666C>G (NM_001282549.2); c.1419C>G (NM_000465.2); short protein forms H473Q, H454Q.
Identifiers: ClinVar variation 927958 (VCV000927958.16), dbSNP rs786203473, ClinGen allele CA350448701.